The following is an entry in ClinVar:

NM_000064.4(C3):c.745A>G (p.Lys249Glu)

Gene: C3 (complement C3; minus strand). Cytogenetic location: 19p13.3.
Variant type: single nucleotide variant.
Coding change: c.745A>G on transcript NM_000064.4 (MANE Select); coding-DNA position 745, A replaced by G.
Protein change: p.Lys249Glu; replaces lysine 249 with glutamic acid.
Molecular consequence: missense variant.
Genome position (GRCh38, 1-based): chr19:6,714,020, T>C on the plus strand (A>G on the coding strand, the complement: C3 is on the minus strand). VCF-style: chr19-6714020-T-C. GRCh37 (hg19) VCF-style: chr19-6714031-T-C.
Other names: short protein forms K249E.
Identifiers: ClinVar variation 2009487 (VCV002009487.4), dbSNP rs1343145308, ClinGen allele CA403642935.

ClinVar aggregate classification (germline): Uncertain significance (1 of 4 stars; one submission).

Allele frequency attached by ClinVar (database versions not stated): TOPMed below 0.00001; gnomAD 0.00001.
gnomAD v4.1: 1 of 1,609,756 alleles (0.000062%); highest among the groups gnomAD compares: African/African-American, 0.0014%; no homozygotes.

Submission:

Labcorp Genetics (formerly Invitae), Labcorp
Classification: Uncertain significance. Last evaluated: 2022-06-22. Review status: criteria provided, single submitter. Criteria: Invitae Variant Classification Sherloc (09022015). Collection method: clinical testing. Allele origin: germline.
Comment: This sequence change replaces lysine, which is basic and polar, with glutamic acid, which is acidic and polar, at codon 249 of the C3 protein (p.Lys249Glu). In summary, the available evidence is currently insufficient to determine the role of this variant in disease. Therefore, it has been classified as a Variant of Uncertain Significance. Algorithms developed to predict the effect of missense changes on protein structure and function output the following: SIFT: "Tolerated"; PolyPhen-2: "Benign"; Align-GVGD: "Class C0". The glutamic acid amino acid residue is found in multiple mammalian species, which suggests that this missense change does not adversely affect protein function. This variant has not been reported in the literature in individuals affected with C3-related conditions. This variant is not present in population databases (gnomAD no frequency).